The following is an entry in ClinVar:

NM_022369.4(STRA6):c.*127T>C

Gene: STRA6 (signaling receptor and transporter of retinol STRA6; minus strand). Cytogenetic location: 15q24.1.
Variant type: single nucleotide variant.
Coding change: c.*127T>C on transcript NM_022369.4 (MANE Select); 127 bases downstream of the stop codon, T replaced by C.
Molecular consequence: 3 prime UTR variant.
Genome position (GRCh38, 1-based): chr15:74,179,953, A>G on the plus strand (T>C on the coding strand, the complement: STRA6 is on the minus strand). VCF-style: chr15-74179953-A-G. GRCh37 (hg19) VCF-style: chr15-74472294-A-G.
Other names: c.*127T>C (NM_001142617.2, NM_001142618.2, NM_001142619.2 and 3 more transcripts).
Identifiers: ClinVar variation 317089 (VCV000317089.8), dbSNP rs11631944, ClinGen allele CA10646595.
Genomic context (GRCh38, chr15:74,179,953, plus strand): 5'-AAGTGGGTGGAGCAGAGCCCTCCTGAGGCTCCCAGTGCAGACAGACCTCCACCCAACCAC[A>G]GTGATCCGGAGGACCTGCTGGCTGCATGGCTGGTGTGATGCTGGGAGGAGAGCCGGGGAG-3'

ClinVar aggregate classification (germline): Benign. Review status: criteria provided, multiple submitters, no conflicts (2 of 4 stars). 3 submissions from 3 submitters: Benign (3). Last evaluated 2018-08-14.

Conditions:
Microphthalmia, syndromic 9. Also called: ANOPHTHALMIA, CLINICAL, WITH MILD FACIAL DYSMORPHISM AND VARIABLE MALFORMATIONS OF THE LUNG, HEART, AND DIAPHRAGM; ANOPHTHALMIA/MICROPHTHALMIA AND PULMONARY HYPOPLASIA; Matthew-Wood syndrome; PULMONARY AGENESIS, MICROPHTHALMIA, AND DIAPHRAGMATIC DEFECT; SPEAR SYNDROME. Identifiers: Orphanet 2470, MedGen C1832661, MONDO:0011010, OMIM 601186.

Allele frequency attached by ClinVar (database versions not stated): 1000 Genomes Project 30x 0.06761; 1000 Genomes Project 0.06929; TOPMed 0.13904; gnomAD 0.15711 and 0.16338; gnomAD exomes 0.19278.
gnomAD v4.1: 244,514 of 1,301,488 alleles (19%); highest among the groups gnomAD compares: Non-Finnish European, 22%; 26,500 homozygotes.

Submissions (3):

GeneDx
Classification: Benign. Last evaluated: 2018-08-14. Review status: criteria provided, single submitter. Criteria: GeneDx Variant Classification Process June 2021. Collection method: clinical testing. Allele origin: germline. Affected: yes.

Illumina Laboratory Services, Illumina
Classification: Benign for Microphthalmia, syndromic 9. Last evaluated: 2018-01-13. Review status: criteria provided, single submitter. Criteria: ICSL Variant Classification Criteria 13 December 2019. Collection method: clinical testing. Allele origin: germline.
Comment: This variant was observed in the ICSL laboratory as part of a predisposition screen in an ostensibly healthy population. It had not been previously curated by ICSL or reported in the Human Gene Mutation Database (HGMD: prior to June 1st, 2018), and was therefore a candidate for classification through an automated scoring system. Utilizing variant allele frequency, disease prevalence and penetrance estimates, and inheritance mode, an automated score was calculated to assess if this variant is too frequent to cause the disease. Based on the score and internal cut-off values, a variant classified as benign is not then subjected to further curation. The score for this variant resulted in a classification of benign for this disease.

Breakthrough Genomics
Classification: Benign. Review status: criteria provided, single submitter. Criteria: ACMG Guidelines, 2015. Collection method: not provided. Allele origin: germline. Inheritance: Autosomal recessive inheritance. Affected: yes.